The following is an entry in ClinVar:

NM_001374828.1(ARID1B):c.1194A>C (p.Gly398=)

Gene: ARID1B (AT-rich interaction domain 1B; plus strand). Cytogenetic location: 6q25.3.
Variant type: single nucleotide variant.
Coding change: c.1194A>C on transcript NM_001374828.1 (MANE Select); coding-DNA position 1194, A replaced by C.
Protein change: p.Gly398=; no amino-acid change (glycine 398 retained).
Molecular consequence: synonymous variant.
Genome position (GRCh38, 1-based): chr6:156,778,874, A>C. VCF-style: chr6-156778874-A-C. GRCh37 (hg19) VCF-style: chr6-157100008-A-C.
Other names: c.945A>C, p.Gly315= (NM_020732.3); c.1194A>C, p.Gly398= (NM_001371656.1, NM_001374820.1, NM_017519.3).
Identifiers: ClinVar variation 434353 (VCV000434353.59), dbSNP rs112474841, ClinGen allele CA4066714.
Genomic context (GRCh38, chr6:156,778,874, plus strand): 5'-CAACCATTATCCGGGCTACAGCCGGCCCGGCGCGGGCGGCGGCGGCGGCGGCGGCGGCGG[A>C]GGAGGAGGAGGCAGCGGAGGAGGAGGAGGAGGAGGAGGAGCAGGAGCAGGAGGAGCAGGA-3'
Protein context (NP_001361757.1, residues 388-408): GAGGGGGGGG[Gly398=]GGGGSGGGGG

ClinVar aggregate classification (germline): Benign/Likely benign. Review status: criteria provided, multiple submitters, no conflicts (2 of 4 stars). 11 submissions from 11 submitters: Benign (2); Likely benign (6). 3 of the submissions do not count toward it. Last evaluated 2026-09-01.

Conditions:
ARID1B-Related Disorder. Identifiers: MedGen CN381337.
Inborn genetic diseases. Identifiers: MedGen C0950123, MeSH D030342.
Coffin-Siris syndrome 1 (CSS1). Also called: Mental retardation, autosomal dominant 12; ARID1B-Related Coffin-Siris Syndrome. Identifiers: Orphanet 1465, MedGen C3281201, MONDO:0007617, OMIM 135900. Disease mechanism: gain of function.

Allele frequency attached by ClinVar (database versions not stated): gnomAD exomes 0.00113 and 0.00150; gnomAD 0.00198 and 0.00209; ExAC 0.00369.
gnomAD v4.1: 1,710 of 1,340,260 alleles (0.13%); highest among the groups gnomAD compares: Middle Eastern, 1.1%; 12 homozygotes.

Submissions (11):

CeGaT Center for Human Genetics Tuebingen
Classification: Likely benign. Last evaluated: 2026-09-01. Review status: criteria provided, single submitter. Criteria: CeGaT Center For Human Genetics Tuebingen Variant Classification Criteria Version 2. Collection method: clinical testing. Allele origin: germline. Affected: yes. Observed: 30 variant alleles.
Comment: ARID1B: BP4, BP7, BS1

Labcorp Genetics (formerly Invitae), Labcorp
Classification: Likely benign. Last evaluated: 2026-01-26. Review status: criteria provided, single submitter. Criteria: Invitae Variant Classification Sherloc (09022015). Collection method: clinical testing. Allele origin: germline.

Blueprint Genetics
Classification: Likely benign. Last evaluated: 2024-11-08. Review status: criteria provided, single submitter. Criteria: ACMG Guidelines, 2015. Collection method: clinical testing. Allele origin: germline.

Genome-Nilou Lab
Classification: Benign for Coffin-Siris syndrome 1. Last evaluated: 2021-07-15. Review status: criteria provided, single submitter. Criteria: ACMG Guidelines, 2015. Collection method: clinical testing. Allele origin: germline. Affected: no.

GeneDx
Classification: Benign. Last evaluated: 2018-12-17. Review status: criteria provided, single submitter. Criteria: GeneDx Variant Classification Process June 2021. Collection method: clinical testing. Allele origin: germline. Affected: yes.

Ambry Genetics
Classification: Likely benign for Inborn genetic diseases. Last evaluated: 2016-05-06. Review status: criteria provided, single submitter. Criteria: Ambry Variant Classification Scheme 2023. Collection method: clinical testing. Allele origin: germline.

Genetic Services Laboratory, University of Chicago
Classification: Likely benign. Last evaluated: 2015-10-12. Review status: criteria provided, single submitter. Criteria: ACMG Guidelines, 2015. Collection method: clinical testing. Allele origin: germline. Affected: no.

Breakthrough Genomics
Classification: Likely benign. Review status: criteria provided, single submitter. Criteria: ACMG Guidelines, 2015. Collection method: not provided. Allele origin: germline. Inheritance: Autosomal dominant inheritance. Affected: yes.

PreventionGenetics, part of Exact Sciences
Classification: Benign for ARID1B-related condition. Last evaluated: 2019-07-02. Review status: no assertion criteria provided. Collection method: clinical testing. Allele origin: germline. Not counted in ClinVar's aggregate classification.
Comment: This variant is classified as benign based on ACMG/AMP sequence variant interpretation guidelines (Richards et al. 2015 PMID: 25741868, with internal and published modifications).

Clinical Genetics DNA and cytogenetics Diagnostics Lab, Erasmus MC, Erasmus Medical Center
Classification: Likely benign. Review status: no assertion criteria provided. Collection method: clinical testing. Allele origin: germline. Affected: yes. Study: VKGL Data-share Consensus. Not counted in ClinVar's aggregate classification.

Joint Genome Diagnostic Labs from Nijmegen and Maastricht, Radboudumc and MUMC+
Classification: Benign. Review status: no assertion criteria provided. Collection method: clinical testing. Allele origin: germline. Affected: yes. Study: VKGL Data-share Consensus. Not counted in ClinVar's aggregate classification.